The following is an entry in ClinVar:

NM_201384.3(PLEC):c.4926_4931del (p.1643RL[1])

Gene: PLEC (plectin; minus strand). Cytogenetic location: 8q24.3.
Variant type: Deletion.
Coding change: c.4926_4931del on transcript NM_201384.3 (MANE Select); coding-DNA positions 4926 to 4931, 6 bases deleted (ACGGCT; older notation c.4926_4931delACGGCT).
Protein change: p.1643RL[1].
Molecular consequence: inframe deletion.
Genome position (GRCh38, 1-based): chr8:143,924,998-143,925,003, AGCCGT deleted on the plus strand (ACGGCT on the coding strand, the reverse complement: PLEC is on the minus strand); deleting any 6 consecutive bases within chr8:143,924,998-143,925,006 gives the same sequence; the c. name uses the placement nearest the transcript's 3' end. VCF-style (leftmost placement, unchanged base first): chr8-143924997-CAGCCGT-C. GRCh37 (hg19) VCF-style: chr8-144999165-CAGCCGT-C.
Other names: c.5007_5012del, p.1670RL[1] (NM_000445.5); c.4884_4889del, p.1629RL[1] (NM_201378.4); c.4860_4865del, p.1621RL[1] (NM_201379.3); c.5337_5342del, p.1780RL[1] (NM_201380.4); c.4830_4835del, p.1611RL[1] (NM_201381.3); c.4926_4931del, p.1643RL[1] (NM_201382.4); c.4938_4943del, p.1647RL[1] (NM_201383.3).
Identifiers: ClinVar variation 1020348 (VCV001020348.5), dbSNP rs1554700187, ClinGen allele CA586158287.

ClinVar aggregate classification (germline): Uncertain significance (1 of 4 stars; one submission).

Conditions:
Epidermolysis bullosa simplex with nail dystrophy (EBS5D). Identifiers: MedGen C4225309, MONDO:0014661, OMIM 616487.
Epidermolysis bullosa simplex 5B, with muscular dystrophy (EBS5B). Also called: EPIDERMOLYSIS BULLOSA SIMPLEX AND LIMB-GIRDLE MUSCULAR DYSTROPHY; Epidermolysis bullosa simplex with muscular dystrophy. Identifiers: Orphanet 257, MedGen C2931072, MONDO:0009181, OMIM 226670.
Epidermolysis bullosa simplex, Ogna type (EBS5A). Also called: Pidermolysis bullosa simplex 5A, Ogna type; EPIDERMOLYSIS BULLOSA SIMPLEX 5A, OGNA TYPE. Identifiers: Orphanet 79401, MedGen C0432317, MONDO:0007555, OMIM 131950.
Epidermolysis bullosa simplex 5C, with pyloric atresia (EBS5C). Also called: PLEC-Related Epidermolysis Bullosa with Pyloric Atresia; Epidermolysis bullosa simplex with pyloric atresia; PLEC1-Related Epidermolysis Bullosa with Pyloric Atresia. Identifiers: Orphanet 158684, MedGen C2677349, MONDO:0012807, OMIM 612138.
Autosomal recessive limb-girdle muscular dystrophy type 2Q (LGMDR17). Also called: MUSCULAR DYSTROPHY, LIMB-GIRDLE, AUTOSOMAL RECESSIVE 17. Identifiers: Orphanet 254361, MedGen C3150989, MONDO:0013390, OMIM 613723.

Submission:

Labcorp Genetics (formerly Invitae), Labcorp
Classification: Uncertain significance for Autosomal recessive limb-girdle muscular dystrophy type 2Q; Epidermolysis bullosa simplex, Ogna type; Epidermolysis bullosa simplex with nail dystrophy; Epidermolysis bullosa simplex 5C, with pyloric atresia; Epidermolysis bullosa simplex 5B, with muscular dystrophy. Last evaluated: 2020-05-30. Review status: criteria provided, single submitter. Criteria: Invitae Variant Classification Sherloc (09022015). Collection method: clinical testing. Allele origin: germline.
Comment: This variant has not been reported in the literature in individuals with PLEC-related conditions. This variant, c.5007_5012del, results in the deletion of 2 amino acid(s) of the PLEC protein (p.Arg1672_Leu1673del), but otherwise preserves the integrity of the reading frame. The frequency data for this variant in the population databases is considered unreliable, as metrics indicate insufficient coverage at this position in the ExAC database. Experimental studies and prediction algorithms are not available or were not evaluated, and the functional significance of this variant is currently unknown. In summary, the available evidence is currently insufficient to determine the role of this variant in disease. Therefore, it has been classified as a Variant of Uncertain Significance.